The following is an entry in ClinVar:

ClinVar aggregate classification (germline): Pathogenic (1 of 4 stars; one submission).

Conditions:
Myoclonic dystonia 11 (DYT11). Also called: DYT-SGCE; Myoclonic dystonia; Dystonia 11; Dystonia, alcohol responsive; Hereditary essential myoclonus; SGCE Myoclonus-Dystonia. Identifiers: Orphanet 36899, MedGen C1834570, MONDO:0008044, OMIM 159900.

Submission:

Labcorp Genetics (formerly Invitae), Labcorp
Classification: Pathogenic for Myoclonic dystonia 11. Last evaluated: 2021-09-02. Review status: criteria provided, single submitter. Criteria: Invitae Variant Classification Sherloc (09022015). Collection method: clinical testing. Allele origin: germline.
Comment: A gross deletion of the genomic region encompassing the full coding sequence of the SGCE gene has been identified. Loss-of-function variants in SGCE are known to be pathogenic (PMID: 12821748, 15389977, 17853490, 24297365). The boundaries of this event are unknown as they extend beyond the assayed region for this gene and therefore may encompass additional genes. A similar copy number variant has been observed in individual(s) with myoclonus-dystonia (PMID: 23677909). For these reasons, this variant has been classified as Pathogenic.

Literature cited by the submitters: PubMed 12821748; PubMed 15389977; PubMed 17853490; PubMed 24297365; PubMed 23677909.

NC_000007.14:g.(?_94395012)_(94656118_?)del

Genes: CASD1 (CAS1 domain sialic acid O acetyltransferase 1; plus strand), COL1A2 (collagen type I alpha 2 chain; plus strand), SGCE (sarcoglycan epsilon; minus strand), LOC129998822 (ATAC-STARR-seq lymphoblastoid silent region 18377; plus strand), LOC129998823 (ATAC-STARR-seq lymphoblastoid active region 26288; plus strand) and 2 more. Cytogenetic location: 7q21.3.
Variant type: Deletion.
Identifiers: ClinVar variation 532801 (VCV000532801.7).